The following is an entry in ClinVar:

ClinVar aggregate classification (germline): Benign/Likely benign. Review status: criteria provided, multiple submitters, no conflicts (2 of 4 stars). 10 submissions from 10 submitters: Benign (5); Likely benign (2). 3 of the submissions do not count toward it. Last evaluated 2026-02-03.

Conditions:
Epidermolysis bullosa simplex, Ogna type (EBS5A). Also called: Pidermolysis bullosa simplex 5A, Ogna type; EPIDERMOLYSIS BULLOSA SIMPLEX 5A, OGNA TYPE. Identifiers: Orphanet 79401, MedGen C0432317, MONDO:0007555, OMIM 131950.
Autosomal recessive limb-girdle muscular dystrophy type 2Q (LGMDR17). Also called: MUSCULAR DYSTROPHY, LIMB-GIRDLE, AUTOSOMAL RECESSIVE 17. Identifiers: Orphanet 254361, MedGen C3150989, MONDO:0013390, OMIM 613723.
Epidermolysis bullosa simplex 5C, with pyloric atresia (EBS5C). Also called: PLEC-Related Epidermolysis Bullosa with Pyloric Atresia; Epidermolysis bullosa simplex with pyloric atresia; PLEC1-Related Epidermolysis Bullosa with Pyloric Atresia. Identifiers: Orphanet 158684, MedGen C2677349, MONDO:0012807, OMIM 612138.
Epidermolysis bullosa simplex with nail dystrophy (EBS5D). Identifiers: MedGen C4225309, MONDO:0014661, OMIM 616487.
Epidermolysis bullosa simplex 5B, with muscular dystrophy (EBS5B). Also called: EPIDERMOLYSIS BULLOSA SIMPLEX AND LIMB-GIRDLE MUSCULAR DYSTROPHY; Epidermolysis bullosa simplex with muscular dystrophy. Identifiers: Orphanet 257, MedGen C2931072, MONDO:0009181, OMIM 226670.

Allele frequency attached by ClinVar (database versions not stated): ExAC 0.04207; gnomAD 0.13721 and 0.14687; gnomAD exomes 0.03548; ESP Exome Variant Server 0.14700; TOPMed 0.15531; 1000 Genomes Project 0.15815; 1000 Genomes Project 30x 0.17052.
gnomAD v4.1: 42,444 of 1,612,490 alleles (2.6%); highest among the groups gnomAD compares: African/African-American, 48%; 8,814 homozygotes.

Submissions (10):

Labcorp Genetics (formerly Invitae), Labcorp
Classification: Benign for Autosomal recessive limb-girdle muscular dystrophy type 2Q; Epidermolysis bullosa simplex, Ogna type; Epidermolysis bullosa simplex with nail dystrophy; Epidermolysis bullosa simplex 5C, with pyloric atresia; Epidermolysis bullosa simplex 5B, with muscular dystrophy. Last evaluated: 2026-02-03. Review status: criteria provided, single submitter. Criteria: Invitae Variant Classification Sherloc (09022015). Collection method: clinical testing. Allele origin: germline.

Athena Diagnostics
Classification: Benign. Last evaluated: 2018-06-18. Review status: criteria provided, single submitter. Criteria: Athena Diagnostics Criteria. Collection method: clinical testing. Allele origin: germline.

Mayo Clinic Laboratories, Mayo Clinic
Classification: Benign. Last evaluated: 2017-10-11. Review status: criteria provided, single submitter. Criteria: ACMG Guidelines, 2015. Collection method: clinical testing. Allele origin: germline. Observed: 132 variant alleles.

GeneDx
Classification: Benign. Last evaluated: 2015-03-03. Review status: criteria provided, single submitter. Criteria: GeneDx Variant Classification Process June 2021. Collection method: clinical testing. Allele origin: germline. Affected: yes.

Eurofins Ntd Llc (ga)
Classification: Benign. Last evaluated: 2013-05-29. Review status: criteria provided, single submitter. Criteria: EGL Classification Definitions 2015. Collection method: clinical testing. Allele origin: germline. Observed: 2 variant alleles, 1 heterozygote, 1 homozygote.

Breakthrough Genomics
Classification: Likely benign. Review status: criteria provided, single submitter. Criteria: ACMG Guidelines, 2015. Collection method: not provided. Allele origin: germline. Inheritance: Autosomal recessive inheritance. Affected: yes.

PreventionGenetics, part of Exact Sciences
Classification: Likely benign. Review status: criteria provided, single submitter. Criteria: ACMG Guidelines, 2015. Collection method: clinical testing. Allele origin: germline.

Clinical Genetics, Academic Medical Center
Classification: Benign. Review status: no assertion criteria provided. Collection method: clinical testing. Allele origin: germline. Affected: yes. Study: VKGL Data-share Consensus. Not counted in ClinVar's aggregate classification.

Genetic Services Laboratory, University of Chicago
Classification: Likely benign for AllHighlyPenetrant. Review status: no assertion criteria provided. Collection method: clinical testing. Allele origin: germline. Inheritance: Autosomal recessive inheritance. Not counted in ClinVar's aggregate classification.
Comment: Likely benign based on allele frequency in 1000 Genomes Project or ESP global frequency and its presence in a patient with a rare or unrelated disease phenotype. NOT Sanger confirmed.

Laboratory of Diagnostic Genome Analysis, Leiden University Medical Center (LUMC)
Classification: Likely benign. Review status: no assertion criteria provided. Collection method: clinical testing. Allele origin: germline. Affected: yes. Study: VKGL Data-share Consensus. Not counted in ClinVar's aggregate classification.

NM_201384.3(PLEC):c.3757-9A>G

Gene: PLEC (plectin; minus strand). Cytogenetic location: 8q24.3.
Variant type: single nucleotide variant.
Coding change: c.3757-9A>G on transcript NM_201384.3 (MANE Select); 9 bases into the intron before coding-DNA position 3757, A replaced by G.
Molecular consequence: intron variant.
Genome position (GRCh38, 1-based): chr8:143,927,344, T>C on the plus strand (A>G on the coding strand, the complement: PLEC is on the minus strand). VCF-style: chr8-143927344-T-C. GRCh37 (hg19) VCF-style: chr8-145001512-T-C.
Other names: p.?; c.3838-9A>G (NM_000445.5); c.3715-9A>G (NM_201378.4); c.3691-9A>G (NM_201379.3); c.4168-9A>G (NM_201380.4); c.3661-9A>G (NM_201381.3); c.3757-9A>G (NM_201382.4); c.3769-9A>G (NM_201383.3).
Identifiers: ClinVar variation 93048 (VCV000093048.26), dbSNP rs57461687, ClinGen allele CA146363.